The following is an entry in ClinVar:

ClinVar aggregate classification (germline): Likely benign. Review status: criteria provided, multiple submitters, no conflicts (2 of 4 stars). 2 submissions from 2 submitters: Likely benign (2). Last evaluated 2025-08-13.

Allele frequency attached by ClinVar (database versions not stated): gnomAD 0.00001; TOPMed 0.00003.
gnomAD v4.1: 4 of 1,607,872 alleles (0.00025%); highest among the groups gnomAD compares: Admixed American, 0.0033%; no homozygotes.

Submissions (2):

Labcorp Genetics (formerly Invitae), Labcorp
Classification: Likely benign. Last evaluated: 2025-08-13. Review status: criteria provided, single submitter. Criteria: Invitae Variant Classification Sherloc (09022015). Collection method: clinical testing. Allele origin: germline.

GeneDx
Classification: Likely benign. Last evaluated: 2016-11-15. Review status: criteria provided, single submitter. Criteria: GeneDx Variant Classification (06012015). Collection method: clinical testing. Allele origin: germline. Affected: yes.
Comment: This variant is considered likely benign or benign based on one or more of the following criteria: it is a conservative change, it occurs at a poorly conserved position in the protein, it is predicted to be benign by multiple in silico algorithms, and/or has population frequency not consistent with disease.

NM_006231.4(POLE):c.4006-20A>G

Gene: POLE (DNA polymerase epsilon, catalytic subunit; minus strand). Cytogenetic location: 12q24.33.
Variant type: single nucleotide variant.
Coding change: c.4006-20A>G on transcript NM_006231.4 (MANE Select); 20 bases into the intron before coding-DNA position 4006, A replaced by G.
Molecular consequence: intron variant.
Genome position (GRCh38, 1-based): chr12:132,649,092, T>C on the plus strand (A>G on the coding strand, the complement: POLE is on the minus strand). VCF-style: chr12-132649092-T-C. GRCh37 (hg19) VCF-style: chr12-133225678-T-C.
Identifiers: ClinVar variation 391069 (VCV000391069.8), dbSNP rs1057523958, ClinGen allele CA16607140.
Genomic context (GRCh38, chr12:132,649,092, plus strand): 5'-GCCCACAGCCTGAACAGGCCGGCCTGGCTGGTCTCGCTGATCTGAAAGGCCACACGGACA[T>C]ACAGCACATCACAGGACACACTGGAACCCACAGACGGGGCCACCTTCCAGGTAGCTTGCA-3'